The following is an entry in ClinVar:

NM_001384474.1(LOXHD1):c.2596C>T (p.Gln866Ter)

Gene: LOXHD1 (lipoxygenase homology PLAT domains 1; minus strand). Cytogenetic location: 18q21.1.
Variant type: single nucleotide variant.
Coding change: c.2596C>T on transcript NM_001384474.1 (MANE Select); coding-DNA position 2596, C replaced by T.
Protein change: p.Gln866Ter; replaces glutamine 866 with a stop codon.
Molecular consequence: nonsense.
Genome position (GRCh38, 1-based): chr18:46,563,067, G>A on the plus strand (C>T on the coding strand, the complement: LOXHD1 is on the minus strand). VCF-style: chr18-46563067-G-A. GRCh37 (hg19) VCF-style: chr18-44143030-G-A.
Other names: c.2596C>T, p.Gln866Ter (NM_144612.7); short protein forms Q866*.
Identifiers: ClinVar variation 1069261 (VCV001069261.7), dbSNP rs2144035251, ClinGen allele CA402372182.

ClinVar aggregate classification (germline): Pathogenic (1 of 4 stars; one submission).

Allele frequency attached by ClinVar (database versions not stated): gnomAD exomes below 0.00001.
gnomAD v4.1: 2 of 1,540,280 alleles (0.00013%); highest among the groups gnomAD compares: Non-Finnish European, 0.00018%; no homozygotes.

Submission:

Labcorp Genetics (formerly Invitae), Labcorp
Classification: Pathogenic. Last evaluated: 2024-08-21. Review status: criteria provided, single submitter. Criteria: Invitae Variant Classification Sherloc (09022015). Collection method: clinical testing. Allele origin: germline.
Comment: This sequence change creates a premature translational stop signal (p.Gln866*) in the LOXHD1 gene. It is expected to result in an absent or disrupted protein product. Loss-of-function variants in LOXHD1 are known to be pathogenic (PMID: 19732867, 21465660, 25792669). This variant is not present in population databases (gnomAD no frequency). This variant has not been reported in the literature in individuals affected with LOXHD1-related conditions. ClinVar contains an entry for this variant (Variation ID: 1069261). For these reasons, this variant has been classified as Pathogenic.

Literature cited by the submitters: PubMed 19732867; PubMed 21465660; PubMed 25792669.